The following is an entry in ClinVar:

NM_014639.4(SKIC3):c.4583G>A (p.Arg1528Lys)

Gene: SKIC3 (SKI3 subunit of superkiller complex; minus strand). Cytogenetic location: 5q15.
Variant type: single nucleotide variant.
Coding change: c.4583G>A on transcript NM_014639.4 (MANE Select); coding-DNA position 4583, G replaced by A.
Protein change: p.Arg1528Lys; replaces arginine 1528 with lysine.
Molecular consequence: missense variant.
Genome position (GRCh38, 1-based): chr5:95,467,903, C>T on the plus strand (G>A on the coding strand, the complement: SKIC3 is on the minus strand). VCF-style: chr5-95467903-C-T. GRCh37 (hg19) VCF-style: chr5-94803607-C-T.
Other names: short protein forms R1528K.
Identifiers: ClinVar variation 1445031 (VCV001445031.6), dbSNP rs2152773377, ClinGen allele CA360458154.

ClinVar aggregate classification (germline): Uncertain significance (1 of 4 stars; one submission).

Submission:

Labcorp Genetics (formerly Invitae), Labcorp
Classification: Uncertain significance. Last evaluated: 2021-08-19. Review status: criteria provided, single submitter. Criteria: Invitae Variant Classification Sherloc (09022015). Collection method: clinical testing. Allele origin: germline.
Comment: This sequence change replaces arginine with lysine at codon 1528 of the TTC37 protein (p.Arg1528Lys). The arginine residue is moderately conserved and there is a small physicochemical difference between arginine and lysine. This variant is not present in population databases (ExAC no frequency). This variant has not been reported in the literature in individuals affected with TTC37-related conditions. Algorithms developed to predict the effect of missense changes on protein structure and function are either unavailable or do not agree on the potential impact of this missense change (SIFT: "Tolerated"; PolyPhen-2: "Possibly Damaging"; Align-GVGD: "Class C0"). In summary, the available evidence is currently insufficient to determine the role of this variant in disease. Therefore, it has been classified as a Variant of Uncertain Significance.